The following is an entry in ClinVar:

NM_182706.5(SCRIB):c.3995C>T (p.Pro1332Leu)

Gene: SCRIB (scribble planar cell polarity protein; minus strand). Cytogenetic location: 8q24.3.
Variant type: single nucleotide variant.
Coding change: c.3995C>T on transcript NM_182706.5 (MANE Select); coding-DNA position 3995, C replaced by T.
Protein change: p.Pro1332Leu; replaces proline 1332 with leucine.
Molecular consequence: missense variant.
Genome position (GRCh38, 1-based): chr8:143,792,998, G>A on the plus strand (C>T on the coding strand, the complement: SCRIB is on the minus strand). VCF-style: chr8-143792998-G-A. GRCh37 (hg19) VCF-style: chr8-144875168-G-A.
Other names: c.3995C>T, p.Pro1332Leu (NM_015356.5); c.3995C>T (NM_182706.4); short protein forms P1332L.
Identifiers: ClinVar variation 2658911 (VCV002658911.25), dbSNP rs202137464, ClinGen allele CA4918424.

ClinVar aggregate classification (germline): Benign. Review status: criteria provided, single submitter (1 of 4 stars). 2 submissions from 2 submitters: Benign (1). 1 of the submissions does not count toward it. Last evaluated 2026-04-01.

Conditions:
SCRIB-related disorder. Also called: SCRIB-related condition.

Allele frequency attached by ClinVar (database versions not stated): 1000 Genomes Project 30x 0.00172; 1000 Genomes Project 0.00200; TOPMed 0.00438; gnomAD 0.00549; ESP Exome Variant Server 0.00557; gnomAD exomes 0.00744; ExAC 0.01245.
gnomAD v4.1: 10,773 of 1,514,076 alleles (0.71%); highest among the groups gnomAD compares: Non-Finnish European, 0.84%; 56 homozygotes.

Submissions (2):

CeGaT Center for Human Genetics Tuebingen
Classification: Benign. Last evaluated: 2026-04-01. Review status: criteria provided, single submitter. Criteria: CeGaT Center For Human Genetics Tuebingen Variant Classification Criteria Version 2. Collection method: clinical testing. Allele origin: germline. Affected: yes. Observed: 6 variant alleles.
Comment: SCRIB: BS1, BS2

PreventionGenetics, part of Exact Sciences
Classification: Likely benign for SCRIB-related condition. Last evaluated: 2021-05-27. Review status: no assertion criteria provided. Collection method: clinical testing. Allele origin: germline. Not counted in ClinVar's aggregate classification.
Comment: This variant is classified as likely benign based on ACMG/AMP sequence variant interpretation guidelines (Richards et al. 2015 PMID: 25741868, with internal and published modifications).